The following is an entry in ClinVar:

ClinVar aggregate classification (germline): Uncertain significance (1 of 4 stars; one submission).

Conditions:
GLUT1 deficiency syndrome 1, autosomal recessive. Identifiers: MedGen C3149117.

Submission:

Labcorp Genetics (formerly Invitae), Labcorp
Classification: Uncertain significance for GLUT1 deficiency syndrome 1, autosomal recessive. Last evaluated: 2022-01-12. Review status: criteria provided, single submitter. Criteria: Invitae Variant Classification Sherloc (09022015). Collection method: clinical testing. Allele origin: germline.
Comment: In summary, the available evidence is currently insufficient to determine the role of this variant in disease. Therefore, it has been classified as a Variant of Uncertain Significance. Advanced modeling of protein sequence and biophysical properties (such as structural, functional, and spatial information, amino acid conservation, physicochemical variation, residue mobility, and thermodynamic stability) performed at Invitae indicates that this missense variant is expected to disrupt SLC2A1 protein function. This variant has not been reported in the literature in individuals affected with SLC2A1-related conditions. This variant is not present in population databases (gnomAD no frequency). This sequence change replaces alanine, which is neutral and non-polar, with glycine, which is neutral and non-polar, at codon 35 of the SLC2A1 protein (p.Ala35Gly).

NM_006516.4(SLC2A1):c.104C>G (p.Ala35Gly)

Gene: SLC2A1 (solute carrier family 2 member 1; minus strand). Cytogenetic location: 1p34.2.
Variant type: single nucleotide variant.
Coding change: c.104C>G on transcript NM_006516.4 (MANE Select); coding-DNA position 104, C replaced by G.
Protein change: p.Ala35Gly; replaces alanine 35 with glycine.
Molecular consequence: missense variant.
Genome position (GRCh38, 1-based): chr1:42,943,236, G>C on the plus strand (C>G on the coding strand, the complement: SLC2A1 is on the minus strand). VCF-style: chr1-42943236-G-C. GRCh37 (hg19) VCF-style: chr1-43408907-G-C.
Other names: short protein forms A35G.
Identifiers: ClinVar variation 2080870 (VCV002080870.4), dbSNP rs773791632, ClinGen allele CA339964746.